The following is an entry in ClinVar:

ClinVar aggregate classification (germline): Uncertain significance (1 of 4 stars; one submission).

Conditions:
Cardiovascular phenotype. Identifiers: MedGen CN230736.

Submission:

Ambry Genetics
Classification: Uncertain significance for Cardiovascular phenotype. Last evaluated: 2025-02-04. Review status: criteria provided, single submitter. Criteria: Ambry Variant Classification Scheme 2023. Collection method: clinical testing. Allele origin: germline.
Comment: The p.G1529A variant (also known as c.4586G>C), located in coding exon 32 of the LAMA4 gene, results from a G to C substitution at nucleotide position 4586. The glycine at codon 1529 is replaced by alanine, an amino acid with similar properties. This amino acid position is conserved. In addition, the in silico prediction for this alteration is inconclusive. Based on the available evidence, the clinical significance of this variant remains unclear.

NM_001105206.3(LAMA4):c.4607G>C (p.Gly1536Ala)

Gene: LAMA4 (laminin subunit alpha 4; minus strand). Cytogenetic location: 6q21.
Variant type: single nucleotide variant.
Coding change: c.4607G>C on transcript NM_001105206.3 (MANE Select); coding-DNA position 4607, G replaced by C.
Protein change: p.Gly1536Ala; replaces glycine 1536 with alanine.
Molecular consequence: missense variant.
Genome position (GRCh38, 1-based): chr6:112,120,341, C>G on the plus strand (G>C on the coding strand, the complement: LAMA4 is on the minus strand). VCF-style: chr6-112120341-C-G. GRCh37 (hg19) VCF-style: chr6-112441544-C-G.
Other names: c.4586G>C, p.Gly1529Ala (NM_001105207.3, NM_002290.5); short protein forms G1536A, G1529A.
Identifiers: ClinVar variation 3866193 (VCV003866193.1).